The following is an entry in ClinVar:

NM_005428.4(VAV1):c.1543G>A (p.Gly515Arg)

Gene: VAV1 (vav guanine nucleotide exchange factor 1; plus strand). Cytogenetic location: 19p13.3.
Variant type: single nucleotide variant.
Coding change: c.1543G>A on transcript NM_005428.4 (MANE Select); coding-DNA position 1543, G replaced by A.
Protein change: p.Gly515Arg; replaces glycine 515 with arginine.
Molecular consequence: missense variant.
Genome position (GRCh38, 1-based): chr19:6,833,218, G>A. VCF-style: chr19-6833218-G-A. GRCh37 (hg19) VCF-style: chr19-6833229-G-A.
Other names: c.1543G>A, p.Gly515Arg (NM_001258206.2); c.1447G>A, p.Gly483Arg (NM_001258207.2); short protein forms G483R, G515R.
Identifiers: ClinVar variation 3623008 (VCV003623008.2).

ClinVar aggregate classification (germline): Uncertain significance (1 of 4 stars; one submission).

gnomAD v4.1: 6 of 1,612,836 alleles (0.00037%); highest among the groups gnomAD compares: African/African-American, 0.0054%; no homozygotes.

Submission:

Labcorp Genetics (formerly Invitae), Labcorp
Classification: Uncertain significance. Last evaluated: 2024-12-12. Review status: criteria provided, single submitter. Criteria: Invitae Variant Classification Sherloc (09022015). Collection method: clinical testing. Allele origin: germline.
Comment: This sequence change replaces glycine, which is neutral and non-polar, with arginine, which is basic and polar, at codon 515 of the VAV1 protein (p.Gly515Arg). The frequency data for this variant in the population databases is considered unreliable, as metrics indicate poor data quality at this position in the gnomAD database. This variant has not been reported in the literature in individuals affected with VAV1-related conditions. An algorithm developed to predict the effect of missense changes on protein structure and function (PolyPhen-2) suggests that this variant is likely to be tolerated. In summary, the available evidence is currently insufficient to determine the role of this variant in disease. Therefore, it has been classified as a Variant of Uncertain Significance.